The following is an entry in ClinVar:

NM_001148.6(ANK2):c.9487G>A (p.Ala3163Thr)

Gene: ANK2 (ankyrin 2; plus strand). Cytogenetic location: 4q26.
Variant type: single nucleotide variant.
Coding change: c.9487G>A on transcript NM_001148.6 (MANE Select); coding-DNA position 9487, G replaced by A.
Protein change: p.Ala3163Thr; replaces alanine 3163 with threonine.
Molecular consequence: missense variant. On other transcripts: intron variant (68).
Genome position (GRCh38, 1-based): chr4:113,358,105, G>A. VCF-style: chr4-113358105-G-A. GRCh37 (hg19) VCF-style: chr4-114279261-G-A.
Other names: c.9253G>A, p.Ala3085Thr (NM_001386142.1); c.5887G>A, p.Ala1963Thr (NM_001386166.1); c.9628G>A, p.Ala3210Thr (NM_001386174.1); c.9604G>A, p.Ala3202Thr (NM_001386175.1); c.4412-2718G>A (NM_001386186.2, NM_001386148.2); c.4214-2718G>A (NM_001354269.3); c.4292-2718G>A (NM_001386187.2); c.4253-2718G>A (NM_001386147.1); and 35 more; short protein forms A1963T, A3085T, A3163T, A3202T, A3210T.
Identifiers: ClinVar variation 1036974 (VCV001036974.5), dbSNP rs2095919636, ClinGen allele CA357937737.

ClinVar aggregate classification (germline): Uncertain significance (1 of 4 stars; one submission).

Conditions:
Long QT syndrome (LQTS). Identifiers: MedGen C0023976, MeSH D008133, MONDO:0002442. Disease mechanism: loss of function. Inheritance: Various modes of inheritance.

Submission:

Labcorp Genetics (formerly Invitae), Labcorp
Classification: Uncertain significance for Long QT syndrome. Last evaluated: 2022-07-25. Review status: criteria provided, single submitter. Criteria: Invitae Variant Classification Sherloc (09022015). Collection method: clinical testing. Allele origin: germline.
Comment: In summary, the available evidence is currently insufficient to determine the role of this variant in disease. Therefore, it has been classified as a Variant of Uncertain Significance. Algorithms developed to predict the effect of missense changes on protein structure and function output the following: SIFT: "Tolerated"; PolyPhen-2: "Benign"; Align-GVGD: "Class C0". The threonine amino acid residue is found in multiple mammalian species, which suggests that this missense change does not adversely affect protein function. ClinVar contains an entry for this variant (Variation ID: 1036974). This variant has not been reported in the literature in individuals affected with ANK2-related conditions. This variant is not present in population databases (gnomAD no frequency). This sequence change replaces alanine, which is neutral and non-polar, with threonine, which is neutral and polar, at codon 3163 of the ANK2 protein (p.Ala3163Thr).